The following is an entry in ClinVar:

ClinVar aggregate classification (germline): Uncertain significance (1 of 4 stars; one submission).

Allele frequency attached by ClinVar (database versions not stated): gnomAD exomes 0.00003.
gnomAD v4.1: 17 of 1,602,182 alleles (0.0011%); highest among the groups gnomAD compares: East Asian, 0.038%; no homozygotes.

Submission:

CeGaT Center for Human Genetics Tuebingen
Classification: Uncertain significance. Last evaluated: 2024-02-01. Review status: criteria provided, single submitter. Criteria: CeGaT Center For Human Genetics Tuebingen Variant Classification Criteria Version 2. Collection method: clinical testing. Allele origin: germline. Affected: yes. Observed: 1 variant allele.
Comment: EPS8L3: PM2

NM_133181.4(EPS8L3):c.490C>T (p.Gln164Ter)

Gene: EPS8L3 (EPS8 signaling adaptor L3; minus strand). Cytogenetic location: 1p13.3.
Variant type: single nucleotide variant.
Coding change: c.490C>T on transcript NM_133181.4 (MANE Select); coding-DNA position 490, C replaced by T.
Protein change: p.Gln164Ter; replaces glutamine 164 with a stop codon.
Molecular consequence: nonsense.
Genome position (GRCh38, 1-based): chr1:109,758,635, G>A on the plus strand (C>T on the coding strand, the complement: EPS8L3 is on the minus strand). VCF-style: chr1-109758635-G-A. GRCh37 (hg19) VCF-style: chr1-110301257-G-A.
Other names: c.391C>T, p.Gln131Ter (NM_001319952.2); c.490C>T, p.Gln164Ter (NM_024526.4); c.493C>T, p.Gln165Ter (NM_139053.3); short protein forms Q131*, Q164*, Q165*.
Identifiers: ClinVar variation 3027145 (VCV003027145.22), dbSNP rs1570696639, ClinGen allele CA341553476.